The following is an entry in ClinVar:

ClinVar aggregate classification (germline): Uncertain significance. Review status: criteria provided, multiple submitters, no conflicts (2 of 4 stars). 2 submissions from 2 submitters: Uncertain significance (2). Last evaluated 2025-11-14.

Conditions:
DNA2-related disorder. Also called: DNA2-related condition.

Allele frequency attached by ClinVar (database versions not stated): gnomAD exomes 0.00001 and 0.00002; ExAC 0.00002; ESP Exome Variant Server 0.00008; gnomAD 0.00008 and 0.00009; TOPMed 0.00011.
gnomAD v4.1: 29 of 1,602,570 alleles (0.0018%); highest among the groups gnomAD compares: African/African-American, 0.036%; no homozygotes.

Submissions (2):

PreventionGenetics, part of Exact Sciences
Classification: Uncertain significance for DNA2-related condition. Last evaluated: 2025-11-14. Review status: criteria provided, single submitter. Criteria: ACMG Guidelines, 2015. Collection method: clinical testing. Allele origin: germline.
Comment: The DNA2 c.1880A>G variant is predicted to result in the amino acid substitution p.Asn627Ser. To our knowledge, this variant has not been reported in the literature. This variant is reported in 0.025% of alleles in individuals of African descent in gnomAD. At this time, the clinical significance of this variant is uncertain due to the absence of conclusive functional and genetic evidence.

Labcorp Genetics (formerly Invitae), Labcorp
Classification: Uncertain significance. Last evaluated: 2024-12-30. Review status: criteria provided, single submitter. Criteria: Invitae Variant Classification Sherloc (09022015). Collection method: clinical testing. Allele origin: germline.
Comment: This sequence change replaces asparagine, which is neutral and polar, with serine, which is neutral and polar, at codon 627 of the DNA2 protein (p.Asn627Ser). This variant is present in population databases (rs376585293, gnomAD 0.03%). This variant has not been reported in the literature in individuals affected with DNA2-related conditions. ClinVar contains an entry for this variant (Variation ID: 1385809). Invitae Evidence Modeling of protein sequence and biophysical properties (such as structural, functional, and spatial information, amino acid conservation, physicochemical variation, residue mobility, and thermodynamic stability) indicates that this missense variant is expected to disrupt DNA2 protein function with a positive predictive value of 80%. In summary, the available evidence is currently insufficient to determine the role of this variant in disease. Therefore, it has been classified as a Variant of Uncertain Significance.

NM_001080449.3(DNA2):c.1880A>G (p.Asn627Ser)

Gene: DNA2 (DNA replication helicase/nuclease 2; minus strand). Cytogenetic location: 10q21.3.
Variant type: single nucleotide variant.
Coding change: c.1880A>G on transcript NM_001080449.3 (MANE Select); coding-DNA position 1880, A replaced by G.
Protein change: p.Asn627Ser; replaces asparagine 627 with serine.
Molecular consequence: missense variant. On other transcripts: non-coding transcript variant (1).
Genome position (GRCh38, 1-based): chr10:68,431,965, T>C on the plus strand (A>G on the coding strand, the complement: DNA2 is on the minus strand). VCF-style: chr10-68431965-T-C. GRCh37 (hg19) VCF-style: chr10-70191722-T-C.
Other names: c.1880A>G (NM_001080449.2); short protein forms N627S.
Identifiers: ClinVar variation 1385809 (VCV001385809.9), dbSNP rs376585293, ClinGen allele CA5524948.